The following is an entry in ClinVar:

ClinVar aggregate classification (germline): Uncertain significance (1 of 4 stars; one submission).

Conditions:
Cystic fibrosis (CF). Also called: MUCOVISCIDOSIS. Identifiers: Orphanet 586, MedGen C0010674, MONDO:0009061, OMIM 219700. Disease mechanism: loss of function.

gnomAD v4.1: 1 of 1,600,896 alleles (0.000062%); highest among the groups gnomAD compares: South Asian, 0.0011%; no homozygotes.

Submission:

Ambry Genetics
Classification: Uncertain significance for Cystic fibrosis. Last evaluated: 2023-09-20. Review status: criteria provided, single submitter. Criteria: Ambry Variant Classification Scheme 2023. Collection method: clinical testing. Allele origin: germline.
Comment: The p.E588A variant (also known as c.1763A>C), located in coding exon 13 of the CFTR gene, results from an A to C substitution at nucleotide position 1763. The glutamic acid at codon 588 is replaced by alanine, an amino acid with dissimilar properties. This amino acid position is well conserved in available vertebrate species. In addition, this alteration is predicted to be deleterious by in silico analysis. Since supporting evidence is limited at this time, the clinical significance of this alteration remains unclear.

NM_000492.4(CFTR):c.1763A>C (p.Glu588Ala)

Gene: CFTR (CF transmembrane conductance regulator; plus strand). Cytogenetic location: 7q31.2.
Variant type: single nucleotide variant.
Coding change: c.1763A>C on transcript NM_000492.4 (MANE Select); coding-DNA position 1763, A replaced by C.
Protein change: p.Glu588Ala; replaces glutamic acid 588 with alanine.
Molecular consequence: missense variant.
Genome position (GRCh38, 1-based): chr7:117,590,436, A>C. VCF-style: chr7-117590436-A-C. GRCh37 (hg19) VCF-style: chr7-117230490-A-C.
Other names: short protein forms E588A.
Identifiers: ClinVar variation 3231834 (VCV003231834.1), dbSNP rs397508297, ClinGen allele CA368977300.
Genomic context (GRCh38, chr7:117,590,436, plus strand): 5'-TGTATTTATTAGACTCTCCTTTTGGATACCTAGATGTTTTAACAGAAAAAGAAATATTTG[A>C]AAGGTATGTTCTTTGAATACCTTACTTATAATGCTCATGCTAAAATAAAAGAAAGACAGA-3'
Protein context (NP_000483.3, residues 578-598): LDVLTEKEIF[Glu588Ala]SCVCKLMANK